The following is an entry in ClinVar:

ClinVar aggregate classification (germline): Uncertain significance. Review status: criteria provided, multiple submitters, no conflicts (2 of 4 stars). 2 submissions from 2 submitters: Uncertain significance (2). Last evaluated 2023-11-06.

Conditions:
Inborn genetic diseases. Identifiers: MedGen C0950123, MeSH D030342.

Allele frequency attached by ClinVar (database versions not stated): gnomAD exomes 0.00002; ExAC 0.00003; gnomAD 0.00003; TOPMed 0.00003; ESP Exome Variant Server 0.00008.

Submissions (2):

Ambry Genetics
Classification: Uncertain significance for Inborn genetic diseases. Last evaluated: 2023-11-06. Review status: criteria provided, single submitter. Criteria: Ambry Variant Classification Scheme 2023. Collection method: clinical testing. Allele origin: germline.

Labcorp Genetics (formerly Invitae), Labcorp
Classification: Uncertain significance. Last evaluated: 2022-06-05. Review status: criteria provided, single submitter. Criteria: Invitae Variant Classification Sherloc (09022015). Collection method: clinical testing. Allele origin: germline.
Comment: In summary, the available evidence is currently insufficient to determine the role of this variant in disease. Therefore, it has been classified as a Variant of Uncertain Significance. Algorithms developed to predict the effect of missense changes on protein structure and function are either unavailable or do not agree on the potential impact of this missense change (SIFT: "Deleterious"; PolyPhen-2: "Possibly Damaging"; Align-GVGD: "Class C0"). This variant has not been reported in the literature in individuals affected with PYROXD1-related conditions. This variant is present in population databases (rs372459516, gnomAD 0.005%). This sequence change replaces valine, which is neutral and non-polar, with methionine, which is neutral and non-polar, at codon 171 of the PYROXD1 protein (p.Val171Met).

NM_024854.5(PYROXD1):c.511G>A (p.Val171Met)

Gene: PYROXD1 (pyridine nucleotide-disulphide oxidoreductase domain 1; plus strand). Cytogenetic location: 12p12.1.
Variant type: single nucleotide variant.
Coding change: c.511G>A on transcript NM_024854.5 (MANE Select); coding-DNA position 511, G replaced by A.
Protein change: p.Val171Met; replaces valine 171 with methionine.
Molecular consequence: missense variant. On other transcripts: 5 prime UTR variant (1).
Genome position (GRCh38, 1-based): chr12:21,455,154, G>A. VCF-style: chr12-21455154-G-A. GRCh37 (hg19) VCF-style: chr12-21608088-G-A.
Other names: c.298G>A, p.Val100Met (NM_001350912.2); c.-267G>A (NM_001350913.2); c.511G>A (NM_024854.3); short protein forms V100M, V171M.
Identifiers: ClinVar variation 1980894 (VCV001980894.3), dbSNP rs372459516, ClinGen allele CA6478248.